The following is an entry in ClinVar:

NM_024408.4(NOTCH2):c.266C>T (p.Thr89Met)

Gene: NOTCH2 (notch receptor 2; minus strand). Cytogenetic location: 1p12.
Variant type: single nucleotide variant.
Coding change: c.266C>T on transcript NM_024408.4 (MANE Select); coding-DNA position 266, C replaced by T.
Protein change: p.Thr89Met; replaces threonine 89 with methionine.
Molecular consequence: missense variant.
Genome position (GRCh38, 1-based): chr1:120,005,478, G>A on the plus strand (C>T on the coding strand, the complement: NOTCH2 is on the minus strand). VCF-style: chr1-120005478-G-A. GRCh37 (hg19) VCF-style: chr1-120548101-G-A.
Other names: c.266C>T, p.Thr89Met (NM_001200001.2); short protein forms T89M.
Identifiers: ClinVar variation 3778051 (VCV003778051.7).

ClinVar aggregate classification (germline): Likely benign (1 of 4 stars; one submission).

gnomAD v4.1: 105 of 1,613,512 alleles (0.0065%); highest among the groups gnomAD compares: East Asian, 0.022%; no homozygotes.

Submission:

CeGaT Center for Human Genetics Tuebingen
Classification: Likely benign. Last evaluated: 2025-03-01. Review status: criteria provided, single submitter. Criteria: CeGaT Center For Human Genetics Tuebingen Variant Classification Criteria Version 2. Collection method: clinical testing. Allele origin: germline. Affected: yes. Observed: 1 variant allele.
Comment: NOTCH2: BP4